The following is an entry in ClinVar:

ClinVar aggregate classification (germline): Uncertain significance (1 of 4 stars; one submission).

Conditions:
Spastic paraplegia. Identifiers: MedGen C0037772, HP:0001258.

Submission:

Labcorp Genetics (formerly Invitae), Labcorp
Classification: Uncertain significance for Spastic paraplegia. Last evaluated: 2024-02-01. Review status: criteria provided, single submitter. Criteria: Invitae Variant Classification Sherloc (09022015). Collection method: clinical testing. Allele origin: germline.
Comment: This sequence change replaces alanine, which is neutral and non-polar, with serine, which is neutral and polar, at codon 1295 of the KDM5C protein (p.Ala1295Ser). This variant is not present in population databases (gnomAD no frequency). This variant has not been reported in the literature in individuals affected with KDM5C-related conditions. Advanced modeling of protein sequence and biophysical properties (such as structural, functional, and spatial information, amino acid conservation, physicochemical variation, residue mobility, and thermodynamic stability) has been performed at Invitae for this missense variant, however the output from this modeling did not meet the statistical confidence thresholds required to predict the impact of this variant on KDM5C protein function. In summary, the available evidence is currently insufficient to determine the role of this variant in disease. Therefore, it has been classified as a Variant of Uncertain Significance.

NM_004187.5(KDM5C):c.3883G>T (p.Ala1295Ser)

Gene: KDM5C (lysine demethylase 5C; minus strand). Cytogenetic location: Xp11.22.
Variant type: single nucleotide variant.
Coding change: c.3883G>T on transcript NM_004187.5 (MANE Select); coding-DNA position 3883, G replaced by T.
Protein change: p.Ala1295Ser; replaces alanine 1295 with serine.
Molecular consequence: missense variant. On other transcripts: non-coding transcript variant (3).
Genome position (GRCh38, 1-based): chrX:53,194,294, C>A on the plus strand (G>T on the coding strand, the complement: KDM5C is on the minus strand). VCF-style: chrX-53194294-C-A. GRCh37 (hg19) VCF-style: chrX-53223476-C-A.
Other names: c.3682G>T, p.Ala1228Ser (NM_001146702.2); c.3880G>T, p.Ala1294Ser (NM_001282622.3, NM_001353979.2, NM_001353982.2); c.3883G>T, p.Ala1295Ser (NM_001353978.3, NM_001353981.2, NM_001353984.2); short protein forms A1294S, A1295S, A1228S.
Identifiers: ClinVar variation 3633197 (VCV003633197.2).